The following is an entry in ClinVar:

NM_000419.5(ITGA2B):c.1184G>T (p.Gly395Val)

Gene: ITGA2B (integrin subunit alpha 2b; minus strand). Cytogenetic location: 17q21.31.
Variant type: single nucleotide variant.
Coding change: c.1184G>T on transcript NM_000419.5 (MANE Select); coding-DNA position 1184, G replaced by T.
Protein change: p.Gly395Val; replaces glycine 395 with valine.
Molecular consequence: missense variant.
Genome position (GRCh38, 1-based): chr17:44,383,519, C>A on the plus strand (G>T on the coding strand, the complement: ITGA2B is on the minus strand). VCF-style: chr17-44383519-C-A. GRCh37 (hg19) VCF-style: chr17-42460887-C-A.
Other names: NM_000419.5:c.1184G>T; short protein forms G395V.
Identifiers: ClinVar variation 1879024 (VCV001879024.2), dbSNP rs763194651, ClinGen allele CA399804316.

ClinVar aggregate classification (germline): Uncertain significance (3 of 4 stars; one submission).

Conditions:
Glanzmann thrombasthenia. Also called: PLATELET GLYCOPROTEIN IIb-IIIa DEFICIENCY; BLEEDING DISORDER, PLATELET-TYPE, 2; THROMBASTHENIA OF GLANZMANN AND NAEGELI; Thrombasthenia; Glanzmann's thrombasthenia. Identifiers: Orphanet 849, MedGen C0040015, MONDO:0100326.

Submission:

ClinGen Platelet Disorders Variant Curation Expert Panel, ClinGen
Classification: Uncertain significance for Glanzmann thrombasthenia. Last evaluated: 2025-04-15. Review status: reviewed by expert panel. Criteria: ClinGen Platelet ACMG Specifications v2-1. Collection method: curation. Allele origin: germline. Inheritance: Autosomal recessive inheritance.
Comment: The NM_000212.3(ITGB3):c.1451G>T (p.Gly484Val) missense variant has been reported in GT patient (PMID: 34066320). This variant is absent from gnomAD v4.1 (PM2_Supporting). The computational predictor REVEL gives a score of 0.905, which is above the ClinGen PD VCEP threshold of >0.7 and predicts a damaging effect on function (PP3). In summary, this variant meets the criteria to be classified as uncertain significance for autosomal recessive Glanzmann Thrombasthenia based on the ACMG/AMP criteria applied, as specified by the ClinGen PD VCEP: PM2_supporting, PP3.